The following is an entry in ClinVar:

ClinVar aggregate classification (germline): Likely pathogenic (1 of 4 stars; one submission).

Conditions:
Niemann-Pick disease, type C1. Also called: NIEMANN-PICK DISEASE, VARIANT TYPE C1; NEUROVISCERAL STORAGE DISEASE WITH VERTICAL SUPRANUCLEAR OPHTHALMOPLEGIA; NIEMANN-PICK DISEASE WITH CHOLESTEROL ESTERIFICATION BLOCK; NIEMANN-PICK DISEASE WITHOUT SPHINGOMYELINASE DEFICIENCY; NIEMANN-PICK DISEASE, CHRONIC NEURONOPATHIC FORM. Identifiers: Orphanet 646, MedGen C3179455, MONDO:0009757, OMIM 257220.

Allele frequency attached by ClinVar (database versions not stated): TOPMed 0.00001.

Submission:

Labcorp Genetics (formerly Invitae), Labcorp
Classification: Likely pathogenic for Niemann-Pick disease, type C1. Last evaluated: 2022-12-29. Review status: criteria provided, single submitter. Criteria: Invitae Variant Classification Sherloc (09022015). Collection method: clinical testing. Allele origin: germline.
Comment: In summary, the currently available evidence indicates that the variant is pathogenic, but additional data are needed to prove that conclusively. Therefore, this variant has been classified as Likely Pathogenic. This sequence change falls in intron 23 of the NPC1 gene. It does not directly change the encoded amino acid sequence of the NPC1 protein. RNA analysis indicates that this variant induces altered splicing and may result in an absent or disrupted protein product. This variant is not present in population databases (gnomAD no frequency). This variant has been observed in individual(s) with Niemann-Pick disease type C (PMID: 32138288). Studies have shown that this variant results in generation of a cryptic acceptor splice site within intron 23 and introduces a premature termination codon (PMID: 32138288). The resulting mRNA is expected to undergo nonsense-mediated decay.

Literature cited by the submitters: PubMed 32138288.

NM_000271.5(NPC1):c.3591+121C>T

Gene: NPC1 (NPC intracellular cholesterol transporter 1; minus strand). Cytogenetic location: 18q11.2.
Variant type: single nucleotide variant.
Coding change: c.3591+121C>T on transcript NM_000271.5 (MANE Select); 121 bases into the intron after coding-DNA position 3591, C replaced by T.
Molecular consequence: intron variant.
Genome position (GRCh38, 1-based): chr18:23,534,325, G>A on the plus strand (C>T on the coding strand, the complement: NPC1 is on the minus strand). VCF-style: chr18-23534325-G-A. GRCh37 (hg19) VCF-style: chr18-21114289-G-A.
Identifiers: ClinVar variation 2882491 (VCV002882491.4), dbSNP rs1444840655, ClinGen allele CA777714582.
Genomic context (GRCh38, chr18:23,534,325, plus strand): 5'-ACAGGTACAGTTCCACAGAACGTCCGTTCTGTCCACGATGTGGCAGCTAATTCATGAATT[G>A]CCTGAAAGCTTGCAATCCTTAGAAGCTGCTTTGTAAGTACAGGATCCAGACTCTTCAGTC-3'